The following is an entry in ClinVar:

ClinVar aggregate classification (germline): Benign/Likely benign. Review status: criteria provided, multiple submitters, no conflicts (2 of 4 stars). 9 submissions from 9 submitters: Benign (6); Likely benign (3). Last evaluated 2026-02-04.

Conditions:
Peroxisome biogenesis disorder 4A (Zellweger) (PBD4A). Also called: Zellweger syndrome spectrum (PEX6-related). Identifiers: Orphanet 912, MedGen C3553936, MONDO:0013930, OMIM 614862. Disease mechanism: loss of function.
Peroxisome biogenesis disorder. Identifiers: Orphanet 79189, MedGen C1832200, MONDO:0019234. Disease mechanism: loss of function.

Allele frequency attached by ClinVar (database versions not stated): 1000 Genomes Project 0.00759; ExAC 0.02675; TOPMed 0.02111; 1000 Genomes Project 30x 0.00796.
gnomAD v4.1: 42,040 of 1,486,432 alleles (2.8%); highest among the groups gnomAD compares: Non-Finnish European, 3.1%; 695 homozygotes.

Submissions (9):

Labcorp Genetics (formerly Invitae), Labcorp
Classification: Benign for Peroxisome biogenesis disorder. Last evaluated: 2026-02-04. Review status: criteria provided, single submitter. Criteria: Invitae Variant Classification Sherloc (09022015). Collection method: clinical testing. Allele origin: germline.

Blueprint Genetics
Classification: Likely benign. Last evaluated: 2024-11-26. Review status: criteria provided, single submitter. Criteria: ACMG Guidelines, 2015. Collection method: clinical testing. Allele origin: germline.

GeneDx
Classification: Likely benign. Last evaluated: 2020-04-30. Review status: criteria provided, single submitter. Criteria: GeneDx Variant Classification Process June 2021. Collection method: clinical testing. Allele origin: germline. Affected: yes.

Mayo Clinic Laboratories, Mayo Clinic
Classification: Benign. Last evaluated: 2018-09-26. Review status: criteria provided, single submitter. Criteria: ACMG Guidelines, 2015. Collection method: clinical testing. Allele origin: germline. Observed: 26 variant alleles.

Athena Diagnostics
Classification: Benign. Last evaluated: 2018-09-20. Review status: criteria provided, single submitter. Criteria: Athena Diagnostics Criteria. Collection method: clinical testing. Allele origin: germline.

Illumina Laboratory Services, Illumina
Classification: Benign for Peroxisome biogenesis disorder 4A (Zellweger). Last evaluated: 2018-01-13. Review status: criteria provided, single submitter. Criteria: ICSL Variant Classification Criteria 13 December 2019. Collection method: clinical testing. Allele origin: germline.
Comment: This variant was observed in the ICSL laboratory as part of a predisposition screen in an ostensibly healthy population. It had not been previously curated by ICSL or reported in the Human Gene Mutation Database (HGMD: prior to June 1st, 2018), and was therefore a candidate for classification through an automated scoring system. Utilizing variant allele frequency, disease prevalence and penetrance estimates, and inheritance mode, an automated score was calculated to assess if this variant is too frequent to cause the disease. Based on the score and internal cut-off values, a variant classified as benign is not then subjected to further curation. The score for this variant resulted in a classification of benign for this disease.

Eurofins Ntd Llc (ga)
Classification: Benign. Last evaluated: 2013-05-15. Review status: criteria provided, single submitter. Criteria: EGL Classification Definitions 2015. Collection method: clinical testing. Allele origin: germline. Observed: 8 variant alleles, 8 heterozygotes.

Breakthrough Genomics
Classification: Likely benign. Review status: criteria provided, single submitter. Criteria: ACMG Guidelines, 2015. Collection method: not provided. Allele origin: germline. Inheritance: Autosomal recessive inheritance. Affected: yes.

PreventionGenetics, part of Exact Sciences
Classification: Benign. Review status: criteria provided, single submitter. Criteria: ACMG Guidelines, 2015. Collection method: clinical testing. Allele origin: germline.

Literature cited by the submitters: PubMed 19877282 (cited by Athena Diagnostics); PubMed 19105186 (cited by Athena Diagnostics); PubMed 15542397 (cited by Athena Diagnostics and Eurofins Ntd Llc (ga)).

NM_000287.4(PEX6):c.235G>C (p.Ala79Pro)

Gene: PEX6 (peroxisomal biogenesis factor 6; minus strand). Cytogenetic location: 6p21.1.
Variant type: single nucleotide variant.
Coding change: c.235G>C on transcript NM_000287.4 (MANE Select); coding-DNA position 235, G replaced by C.
Protein change: p.Ala79Pro; replaces alanine 79 with proline.
Molecular consequence: missense variant. On other transcripts: non-coding transcript variant (1).
Genome position (GRCh38, 1-based): chr6:42,978,916, C>G on the plus strand (G>C on the coding strand, the complement: PEX6 is on the minus strand). VCF-style: chr6-42978916-C-G. GRCh37 (hg19) VCF-style: chr6-42946654-C-G.
Other names: c.235G>C, p.Ala79Pro (NM_001316313.2); short protein forms A79P.
Identifiers: ClinVar variation 92784 (VCV000092784.23), dbSNP rs61752141, ClinGen allele CA146004.